The following is an entry in ClinVar:

ClinVar aggregate classification (germline): Pathogenic. Review status: criteria provided, single submitter (1 of 4 stars). 3 submissions from 3 submitters: Pathogenic (1). 2 of the submissions do not count toward it. Last evaluated 2022-11-15.

Conditions:
3MC syndrome 2. Also called: PTOSIS OF EYELIDS WITH DIASTASIS RECTI AND HIP DYSPLASIA; OCULO-SKELETAL-ABDOMINAL SYNDROME; OSA SYNDROME. Identifiers: Orphanet 293843, MedGen C0796279, MONDO:0009927, OMIM 265050.

Allele frequency attached by ClinVar (database versions not stated): gnomAD exomes 0.00001 and below 0.00001; gnomAD 0.00001; ExAC 0.00001.
gnomAD v4.1: 6 of 1,613,958 alleles (0.00037%); highest among the groups gnomAD compares: South Asian, 0.0033%; no homozygotes.

Submissions (4):

GeneDx
Classification: Pathogenic. Last evaluated: 2022-11-15. Review status: criteria provided, single submitter. Criteria: GeneDx Variant Classification Process June 2021. Collection method: clinical testing. Allele origin: germline. Affected: yes.
Comment: Not observed at significant frequency in large population cohorts (gnomAD); In silico analysis supports that this missense variant has a deleterious effect on protein structure/function; Published functional studies demonstrate a damaging effect as this variant prevents protein secretion due to an inability to bind calcium (Venkatraman Girija et al., 2015); This variant is associated with the following publications: (PMID: 32751929, 21258343, 29914697, 32635486, 25807310, 22301270, 30995222, 21664996, 27356087, 25912189)

Clinical Laboratory Sciences Program (CLSP), King Saud bin Abdulaziz University for Health Sciences (KSAU-HS)
Classification: Pathogenic for 3MC syndrome 2. Last evaluated: 2023-04-01. Review status: no assertion criteria provided. Collection method: clinical testing. Allele origin: germline. Affected: yes. Not counted in ClinVar's aggregate classification.

OMIM
Classification: Pathogenic for 3MC SYNDROME 2. Last evaluated: 2011-03-01. Review status: no assertion criteria provided. Collection method: literature only. Allele origin: germline. Not counted in ClinVar's aggregate classification.

Dr. Peter K. Rogan Lab, Western University
No classification provided (evidence only). Condition: Malignant tumor of urinary bladder. Review status: no classification provided. Collection method: in vitro. Allele origin: not applicable. Functional consequence: retained intron. Not counted in ClinVar's aggregate classification.

Literature cited by the submitters: PubMed 21258343 (cited by OMIM).

NM_024027.5(COLEC11):c.610G>A (p.Gly204Ser)

Gene: COLEC11 (collectin subfamily member 11; plus strand). Cytogenetic location: 2p25.3.
Variant type: single nucleotide variant.
Coding change: c.610G>A on transcript NM_024027.5 (MANE Select); coding-DNA position 610, G replaced by A.
Protein change: p.Gly204Ser; replaces glycine 204 with serine.
Molecular consequence: missense variant. On other transcripts: non-coding transcript variant (1).
Genome position (GRCh38, 1-based): chr2:3,643,912, G>A. VCF-style: chr2-3643912-G-A. GRCh37 (hg19) VCF-style: chr2-3691502-G-A.
Other names: NC_000002.11:g.3691502G>A; c.610G>A (NM_024027.4); c.538G>A, p.Gly180Ser (NM_001255982.2, NM_001255983.2); c.466G>A, p.Gly156Ser (NM_001255984.2); c.652G>A, p.Gly218Ser (NM_001255985.1); c.532G>A, p.Gly178Ser (NM_001255986.1); c.460G>A, p.Gly154Ser (NM_001255987.1, NM_001255988.1); c.388G>A, p.Gly130Ser (NM_001255989.1); and 1 more; short protein forms G204S, G201S, G156S, G218S, G130S, G178S, G180S, G154S.
Identifiers: ClinVar variation 30970 (VCV000030970.20), dbSNP rs387907076, ClinGen allele CA210862.
Genomic context (GRCh38, chr2:3,643,912, plus strand): 5'-GCTGCCAATGGCCTGATGGCCGCATACCTGGCGCAAGCCGGCCTGGCCCGTGTCTTCATC[G>A]GCATCAACGACCTGGAGAAGGAGGGCGCCTTCGTGTACTCTGACCACTCCCCCATGCGGA-3'
Protein context (NP_076932.1, residues 194-214): AQAGLARVFI[Gly204Ser]INDLEKEGAF